The following is an entry in ClinVar:

NM_000532.5(PCCB):c.1465A>T (p.Lys489Ter)

Gene: PCCB (propionyl-CoA carboxylase subunit beta; plus strand). Cytogenetic location: 3q22.3.
Variant type: single nucleotide variant.
Coding change: c.1465A>T on transcript NM_000532.5 (MANE Select); coding-DNA position 1465, A replaced by T.
Protein change: p.Lys489Ter; replaces lysine 489 with a stop codon.
Molecular consequence: nonsense.
Genome position (GRCh38, 1-based): chr3:136,328,824, A>T. VCF-style: chr3-136328824-A-T. GRCh37 (hg19) VCF-style: chr3-136047666-A-T.
Other names: c.1525A>T, p.Lys509Ter (NM_001178014.2); short protein forms K509*, K489*.
Identifiers: ClinVar variation 2033992 (VCV002033992.4), dbSNP rs2529977421, ClinGen allele CA354649689.
Genomic context (GRCh38, chr3:136,328,824, plus strand): 5'-GTGGAGATCATCTTCAAAGGGCATGAGAATGTGGAAGCTGCTCAGGCAGAGTACATCGAG[A>T]AGTTTGCCAACCCTTTCCCTGCAGCAGTGCGAGGTAGGGGACTGTGGTGAAGAGGGCAGC-3'

ClinVar aggregate classification (germline): Pathogenic (1 of 4 stars; one submission).

Conditions:
Propionic acidemia (PROP). Also called: GLYCINEMIA, KETOTIC; HYPERGLYCINEMIA WITH KETOACIDOSIS AND LEUKOPENIA; KETOTIC HYPERGLYCINEMIA. Identifiers: Orphanet 35, MedGen C0268579, MONDO:0011628, OMIM 606054, HP:0003571.

Submission:

Labcorp Genetics (formerly Invitae), Labcorp
Classification: Pathogenic for Propionic acidemia. Last evaluated: 2022-10-04. Review status: criteria provided, single submitter. Criteria: Invitae Variant Classification Sherloc (09022015). Collection method: clinical testing. Allele origin: germline.
Comment: This variant disrupts a region of the PCCB protein in which other variant(s) (p.Arg514*) have been determined to be pathogenic (PMID: 11136555, 24059531, 27227689). This suggests that this is a clinically significant region of the protein, and that variants that disrupt it are likely to be disease-causing. For these reasons, this variant has been classified as Pathogenic. This variant has not been reported in the literature in individuals affected with PCCB-related conditions. This variant is not present in population databases (gnomAD no frequency). This sequence change creates a premature translational stop signal (p.Lys489*) in the PCCB gene. While this is not anticipated to result in nonsense mediated decay, it is expected to disrupt the last 51 amino acid(s) of the PCCB protein.

Literature cited by the submitters: PubMed 11136555; PubMed 24059531; PubMed 27227689.